The following is an entry in ClinVar:

NM_001267550.2(TTN):c.17893T>C (p.Tyr5965His)

Gene: TTN (titin; minus strand). Cytogenetic location: 2q31.2.
Variant type: single nucleotide variant.
Coding change: c.17893T>C on transcript NM_001267550.2 (MANE Select); coding-DNA position 17893, T replaced by C.
Protein change: p.Tyr5965His; replaces tyrosine 5965 with histidine.
Molecular consequence: missense variant. On other transcripts: intron variant (3).
Genome position (GRCh38, 1-based): chr2:178,730,640, A>G on the plus strand (T>C on the coding strand, the complement: TTN is on the minus strand). VCF-style: chr2-178730640-A-G. GRCh37 (hg19) VCF-style: chr2-179595367-A-G.
Other names: p.Y5648H:TAC>CAC; c.16942T>C, p.Tyr5648His (NM_001256850.1); c.14161T>C, p.Tyr4721His (NM_133378.4); c.13282+7442T>C (NM_003319.4); c.13858+7442T>C (NM_133437.4); c.13657+7442T>C (NM_133432.3); short protein forms Y5648H, Y5965H, Y4721H.
Identifiers: ClinVar variation 203265 (VCV000203265.32), dbSNP rs752226947, ClinGen allele CA311859.
Genomic context (GRCh38, chr2:178,730,640, plus strand): 5'-CTGTACCTTCCAGCTGGCTGATTTCCAAGAAGGCAGTATTGTCATGAAAAGAGAATTTGT[A>G]CTTTTCACTAGCTGATATTTCTTGGTCATCTTTGAACCACTGGATGCTTATGGGATGTGA-3'
Protein context (NP_001254479.2, residues 5955-5975): DDQEISASEK[Tyr5965His]KFSFHDNTAF

ClinVar aggregate classification (germline): Conflicting classifications of pathogenicity. Review status: criteria provided, conflicting classifications (1 of 4 stars). 5 submissions from 5 submitters: Uncertain significance (4); Likely benign (1). Last evaluated 2026-06-01.

Conditions:
TTN-related disorder. Also called: TTN-related condition; TTN-related disease; TTN-related disorders.
Autosomal recessive limb-girdle muscular dystrophy type 2J (LGMDR10). Also called: Limb-girdle muscular dystrophy, type 2J; MUSCULAR DYSTROPHY, LIMB-GIRDLE, AUTOSOMAL RECESSIVE 10. Identifiers: Orphanet 140922, MedGen C1837342, MONDO:0012127, OMIM 608807.
Dilated cardiomyopathy 1G (CMD1G). Identifiers: Orphanet 154, MedGen C1858763, MONDO:0011400, OMIM 604145.

Allele frequency attached by ClinVar (database versions not stated): ExAC 0.00002; gnomAD exomes 0.00002 and 0.00003; TOPMed 0.00002; gnomAD 0.00006.
gnomAD v4.1: 42 of 1,613,482 alleles (0.0026%); highest among the groups gnomAD compares: Non-Finnish European, 0.0031%; no homozygotes.

Submissions (5):

CeGaT Center for Human Genetics Tuebingen
Classification: Uncertain significance. Last evaluated: 2026-06-01. Review status: criteria provided, single submitter. Criteria: CeGaT Center For Human Genetics Tuebingen Variant Classification Criteria Version 2. Collection method: clinical testing. Allele origin: germline. Affected: yes. Observed: 4 variant alleles.
Comment: TTN: PM2:Supporting

PreventionGenetics, part of Exact Sciences
Classification: Uncertain significance for TTN-related condition. Last evaluated: 2026-05-11. Review status: criteria provided, single submitter. Criteria: ACMG Guidelines, 2015. Collection method: clinical testing. Allele origin: germline.
Comment: The TTN c.17893T>C variant is predicted to result in the amino acid substitution p.Tyr5965His. To our knowledge, this variant has not been reported in the literature. This variant is reported in 0.011% of alleles in individuals of European (Non-Finnish) descent in gnomAD. At this time, the clinical significance of this variant is uncertain due to the absence of conclusive functional and genetic evidence.

Revvity Omics, Revvity
Classification: Uncertain significance. Last evaluated: 2021-09-18. Review status: criteria provided, single submitter. Criteria: ACMG Guidelines, 2015. Collection method: clinical testing. Allele origin: germline.

GeneDx
Classification: Likely benign. Last evaluated: 2019-12-16. Review status: criteria provided, single submitter. Criteria: GeneDx Variant Classification Process June 2021. Collection method: clinical testing. Allele origin: germline. Affected: yes.

Labcorp Genetics (formerly Invitae), Labcorp
Classification: Uncertain significance for Dilated cardiomyopathy 1G; Autosomal recessive limb-girdle muscular dystrophy type 2J. Last evaluated: 2016-04-22. Review status: criteria provided, single submitter. Criteria: Invitae Variant Classification Sherloc (09022015). Collection method: clinical testing. Allele origin: germline.